The following is an entry in ClinVar:

ClinVar aggregate classification (germline): Uncertain significance. Review status: criteria provided, multiple submitters, no conflicts (2 of 4 stars). 3 submissions from 3 submitters: Uncertain significance (3). Last evaluated 2025-05-23.

Conditions:
Hereditary cancer-predisposing syndrome. Also called: Neoplastic Syndromes, Hereditary; Tumor predisposition; Hereditary Cancer Syndrome; Hereditary neoplastic syndrome. Identifiers: Orphanet 140162, MedGen C0027672, MeSH D009386, MONDO:0015356.
Rhabdoid tumor predisposition syndrome 2 (RTPS2). Identifiers: Orphanet 231108, Orphanet 69077, MedGen C2750074, MONDO:0013224, OMIM 613325.

Allele frequency attached by ClinVar (database versions not stated): gnomAD exomes below 0.00001.
gnomAD v4.1: 1 of 1,614,250 alleles (0.000062%); highest among the groups gnomAD compares: Non-Finnish European, 0.000085%; no homozygotes.

Submissions (3):

Labcorp Genetics (formerly Invitae), Labcorp
Classification: Uncertain significance for Rhabdoid tumor predisposition syndrome 2. Last evaluated: 2025-05-23. Review status: criteria provided, single submitter. Criteria: Invitae Variant Classification Sherloc (09022015). Collection method: clinical testing. Allele origin: germline.
Comment: This sequence change replaces asparagine, which is neutral and polar, with serine, which is neutral and polar, at codon 591 of the SMARCA4 protein (p.Asn591Ser). This variant is not present in population databases (gnomAD no frequency). This variant has not been reported in the literature in individuals affected with SMARCA4-related conditions. ClinVar contains an entry for this variant (Variation ID: 1779818). Invitae Evidence Modeling of protein sequence and biophysical properties (such as structural, functional, and spatial information, amino acid conservation, physicochemical variation, residue mobility, and thermodynamic stability) indicates that this missense variant is not expected to disrupt SMARCA4 protein function with a negative predictive value of 95%. In summary, the available evidence is currently insufficient to determine the role of this variant in disease. Therefore, it has been classified as a Variant of Uncertain Significance.

Ambry Genetics
Classification: Uncertain significance for Hereditary cancer-predisposing syndrome. Last evaluated: 2023-10-10. Review status: criteria provided, single submitter. Criteria: Ambry Variant Classification Scheme 2023. Collection method: clinical testing. Allele origin: germline.
Comment: The p.N591S variant (also known as c.1772A>G), located in coding exon 10 of the SMARCA4 gene, results from an A to G substitution at nucleotide position 1772. The asparagine at codon 591 is replaced by serine, an amino acid with highly similar properties. This amino acid position is not well conserved in available vertebrate species. In addition, this alteration is predicted to be tolerated by in silico analysis. Missense and in-frame variants in SMARCA4 are known to cause neurodevelopmental disorders; however, such associations with rhabdoid tumor predisposition syndrome including small cell carcinoma of the ovary-hypercalcemic type (SCCOHT) are exceedingly rare (Kosho T et al. Am J Med Genet C Semin Med Genet. 2014 Sep;166C(3):262-75; Jelinic P et al. Nat Genet. 2014 May;46(5):424-6). Based on the supporting evidence, the association of this alteration with Coffin-Siris syndrome is unknown; however, the association of this alteration with rhabdoid tumor predisposition syndrome is unlikely.

Baylor Genetics
Classification: Uncertain significance for Rhabdoid tumor predisposition syndrome 2. Last evaluated: 2023-06-09. Review status: criteria provided, single submitter. Criteria: ACMG Guidelines, 2015. Collection method: clinical testing. Allele origin: unknown.

NM_003072.5(SMARCA4):c.1772A>G (p.Asn591Ser)

Gene: SMARCA4 (SWI/SNF related BAF chromatin remodeling complex subunit ATPase 4; plus strand). Cytogenetic location: 19p13.2.
Variant type: single nucleotide variant.
Coding change: c.1772A>G on transcript NM_003072.5 (MANE Select); coding-DNA position 1772, A replaced by G.
Protein change: p.Asn591Ser; replaces asparagine 591 with serine.
Molecular consequence: missense variant. On other transcripts: non-coding transcript variant (1).
Genome position (GRCh38, 1-based): chr19:10,996,504, A>G. VCF-style: chr19-10996504-A-G. GRCh37 (hg19) VCF-style: chr19-11107180-A-G.
Other names: c.1772A>G, p.Asn591Ser (NM_001128844.3, NM_001128845.2, NM_001128846.2 and 6 more transcripts); short protein forms N591S.
Identifiers: ClinVar variation 1779818 (VCV001779818.8), dbSNP rs2145980484, ClinGen allele CA404064751.
Genomic context (GRCh38, chr19:10,996,504, plus strand): 5'-GGCCTCAGCCTTGTGGGTCAGGGCCTGACCGTGTCTCTCTCTATTTCCAGAAGGCAGAAA[A>G]TGCAGAAGGACAGACGCCTGCCATTGGGCCGGATGGCGAGGTGAGGAAGCAGGGTTTCTT-3'
Protein context (NP_003063.2, residues 581-601): KKKKKKKKAE[Asn591Ser]AEGQTPAIGP